The following is an entry in ClinVar:

ClinVar aggregate classification (germline): Uncertain significance (1 of 4 stars; one submission).

Submission:

Labcorp Genetics (formerly Invitae), Labcorp
Classification: Uncertain significance. Last evaluated: 2021-12-28. Review status: criteria provided, single submitter. Criteria: Invitae Variant Classification Sherloc (09022015). Collection method: clinical testing. Allele origin: germline.
Comment: This sequence change replaces glutamic acid, which is acidic and polar, with glycine, which is neutral and non-polar, at codon 1821 of the PCLO protein (p.Glu1821Gly). This variant is not present in population databases (gnomAD no frequency). This variant has not been reported in the literature in individuals affected with PCLO-related conditions. Algorithms developed to predict the effect of missense changes on protein structure and function are either unavailable or do not agree on the potential impact of this missense change (SIFT: "Deleterious"; PolyPhen-2: "Not Available"; Align-GVGD: "Class C0"). In summary, the available evidence is currently insufficient to determine the role of this variant in disease. Therefore, it has been classified as a Variant of Uncertain Significance.

NM_033026.6(PCLO):c.5462A>G (p.Glu1821Gly)

Gene: PCLO (piccolo presynaptic cytomatrix protein; minus strand). Cytogenetic location: 7q21.11.
Variant type: single nucleotide variant.
Coding change: c.5462A>G on transcript NM_033026.6 (MANE Select); coding-DNA position 5462, A replaced by G.
Protein change: p.Glu1821Gly; replaces glutamic acid 1821 with glycine.
Molecular consequence: missense variant.
Genome position (GRCh38, 1-based): chr7:82,955,491, T>C on the plus strand (A>G on the coding strand, the complement: PCLO is on the minus strand). VCF-style: chr7-82955491-T-C. GRCh37 (hg19) VCF-style: chr7-82584807-T-C.
Other names: c.5462A>G, p.Glu1821Gly (NM_014510.3); short protein forms E1821G.
Identifiers: ClinVar variation 2063851 (VCV002063851.4), dbSNP rs2535707027, ClinGen allele CA367924145.
Genomic context (GRCh38, chr7:82,955,491, plus strand): 5'-TCTTCTGTCGGAGATGCATCTTCAATGGGAGAGAGATTACTAGGTGGTGTCTTTGGCCTT[T>C]CCCTTCTTCTCTGAGCTCGAAGTTCATCTTTGTCTTTCTTTGATTTTTTACTAGAACTCT-3'
Protein context (NP_149015.2, residues 1811-1831): KDELRAQRRR[Glu1821Gly]RPKTPPSNLS